The following is an entry in ClinVar:

NM_006227.4(PLTP):c.1181G>C (p.Arg394Pro)

Gene: PLTP (phospholipid transfer protein; minus strand). Cytogenetic location: 20q13.12.
Variant type: single nucleotide variant.
Coding change: c.1181G>C on transcript NM_006227.4 (MANE Select); coding-DNA position 1181, G replaced by C.
Protein change: p.Arg394Pro; replaces arginine 394 with proline.
Molecular consequence: missense variant.
Genome position (GRCh38, 1-based): chr20:45,899,873, C>G on the plus strand (G>C on the coding strand, the complement: PLTP is on the minus strand). VCF-style: chr20-45899873-C-G. GRCh37 (hg19) VCF-style: chr20-44528512-C-G.
Other names: c.1025G>C, p.Arg342Pro (NM_182676.3); c.896G>C, p.Arg299Pro (NM_001242920.2); c.917G>C, p.Arg306Pro (NM_001242921.1); short protein forms R394P, R299P, R306P, R342P.
Identifiers: ClinVar variation 3307872 (VCV003307872.3).

ClinVar aggregate classification (germline): Uncertain significance. Review status: criteria provided, multiple submitters, no conflicts (2 of 4 stars). 2 submissions from 2 submitters: Uncertain significance (2). Last evaluated 2024-05-12.

gnomAD v4.1: 1 of 1,349,970 alleles (0.000074%); highest among the groups gnomAD compares: Admixed American, 0.0026%; no homozygotes.

Submissions (2):

Ambry Genetics
Classification: Uncertain significance. Last evaluated: 2024-05-12. Review status: criteria provided, single submitter. Criteria: Ambry Variant Classification Scheme 2023. Collection method: clinical testing. Allele origin: germline.

Labcorp Genetics (formerly Invitae), Labcorp
Classification: Uncertain significance. Last evaluated: 2024-01-30. Review status: criteria provided, single submitter. Criteria: Invitae Variant Classification Sherloc (09022015). Collection method: clinical testing. Allele origin: germline.
Comment: This sequence change replaces arginine, which is basic and polar, with proline, which is neutral and non-polar, at codon 394 of the PLTP protein (p.Arg394Pro). This variant is present in population databases (no rsID available, gnomAD 0.004%). This variant has not been reported in the literature in individuals affected with PLTP-related conditions. An algorithm developed to predict the effect of missense changes on protein structure and function (PolyPhen-2) suggests that this variant is likely to be disruptive. In summary, the available evidence is currently insufficient to determine the role of this variant in disease. Therefore, it has been classified as a Variant of Uncertain Significance.